The following is an entry in ClinVar:

NM_000256.3(MYBPC3):c.2258dup (p.Lys754fs)

Gene: MYBPC3 (myosin binding protein C3; minus strand). Cytogenetic location: 11p11.2.
Variant type: Duplication.
Coding change: c.2258dup on transcript NM_000256.3 (MANE Select); coding-DNA position 2258, one base duplicated (T; older notation c.2258dupT).
Protein change: p.Lys754fs; shifts the reading frame from lysine 754.
Molecular consequence: frameshift variant.
Genome position (GRCh38, 1-based): chr11:47,338,570, A duplicated on the plus strand (T on the coding strand, the reverse complement: MYBPC3 is on the minus strand). VCF-style (leftmost placement, unchanged base first): chr11-47338569-C-CA. GRCh37 (hg19) VCF-style: chr11-47360120-C-CA.
Other names: c.2258dupT (NM_000256.3); c.2258dup, p.Lys754fs (LRG_386t1); short protein forms K754fs.
Identifiers: ClinVar variation 518947 (VCV000518947.12), dbSNP rs774521272, ClinGen allele CA5975367.

ClinVar aggregate classification (germline): Pathogenic. Review status: criteria provided, multiple submitters, no conflicts (2 of 4 stars). 3 submissions from 3 submitters: Pathogenic (2). 1 of the submissions does not count toward it. Last evaluated 2024-06-25.

Conditions:
Cardiovascular phenotype. Identifiers: MedGen CN230736.
Hypertrophic cardiomyopathy. Also called: HYPERTROPHIC MYOCARDIOPATHY. Identifiers: Orphanet 217569, MedGen C0007194, MeSH D002312, MONDO:0005045, HP:0001639.

Allele frequency attached by ClinVar (database versions not stated): gnomAD 0.00001; gnomAD exomes 0.00001; ExAC 0.00002; TOPMed 0.00002.

Submissions (3):

Ambry Genetics
Classification: Pathogenic for Cardiovascular phenotype. Last evaluated: 2024-06-25. Review status: criteria provided, single submitter. Criteria: Ambry Variant Classification Scheme 2023. Collection method: clinical testing. Allele origin: germline.
Comment: The c.2258dupT pathogenic mutation, located in coding exon 23 of the MYBPC3 gene, results from a duplication of T at nucleotide position 2258, causing a translational frameshift with a predicted alternate stop codon (p.K754Efs*79). This alteration (also referred to as 'T insertion at nt 2259') has been detected in a subset of individuals with increased left ventricular wall thickness from a community-based cohort, and in a hypertrophic cardiomyopathy cohort (Morita H et al. Circulation. 2006;113:2697-705; Cecconi M et al. Int J Mol Med. 2016;38:1111-24). This variant is considered to be rare based on population cohorts in the Genome Aggregation Database (gnomAD). In addition to the clinical data presented in the literature, this alteration is expected to result in loss of function by premature protein truncation or nonsense-mediated mRNA decay. As such, this alteration is interpreted as a disease-causing mutation.

Labcorp Genetics (formerly Invitae), Labcorp
Classification: Pathogenic for Hypertrophic cardiomyopathy. Last evaluated: 2024-03-07. Review status: criteria provided, single submitter. Criteria: Invitae Variant Classification Sherloc (09022015). Collection method: clinical testing. Allele origin: germline.
Comment: This sequence change creates a premature translational stop signal (p.Lys754Glufs*79) in the MYBPC3 gene. It is expected to result in an absent or disrupted protein product. Loss-of-function variants in MYBPC3 are known to be pathogenic (PMID: 19574547). This variant is present in population databases (rs774521272, gnomAD 0.003%). This premature translational stop signal has been observed in individual(s) with MYBPC3-related conditions (PMID: 16754800, 27600940). This variant is also known as Val753fs. ClinVar contains an entry for this variant (Variation ID: 518947). Algorithms developed to predict the effect of sequence changes on RNA splicing suggest that this variant may disrupt the consensus splice site. For these reasons, this variant has been classified as Pathogenic.

Zaffran Lab, Genetics of Cardiac Diseases Laboratory, Marseille Medical Genetics
Classification: Likely pathogenic for hypertrophic cardiomyopathy. Review status: no assertion criteria provided. Collection method: research. Allele origin: unknown. Affected: yes. Not counted in ClinVar's aggregate classification.

Literature cited by the submitters: PubMed 16754800 (cited by Ambry Genetics and Labcorp Genetics (formerly Invitae), Labcorp); PubMed 27600940 (cited by Ambry Genetics and Labcorp Genetics (formerly Invitae), Labcorp); PubMed 19574547 (cited by Labcorp Genetics (formerly Invitae), Labcorp).